The following is an entry in ClinVar:

ClinVar aggregate classification (germline): Benign/Likely benign. Review status: criteria provided, multiple submitters, no conflicts (2 of 4 stars). 5 submissions from 5 submitters: Benign (1); Likely benign (4). Last evaluated 2025-09-29.

Conditions:
Hereditary cancer-predisposing syndrome. Also called: Hereditary neoplastic syndrome; Neoplastic Syndromes, Hereditary; Tumor predisposition; Hereditary Cancer Syndrome. Identifiers: Orphanet 140162, MedGen C0027672, MeSH D009386, MONDO:0015356.
Familial adenomatous polyposis 1 (FAP1). Also called: POLYPOSIS, ADENOMATOUS INTESTINAL; FAMILIAL ADENOMATOUS POLYPOSIS 1, ATTENUATED. Identifiers: MedGen C2713442, MONDO:0021056, OMIM 175100. Disease mechanism: loss of function.
Classic or attenuated familial adenomatous polyposis. Identifiers: MedGen CN372698, MONDO:0021057.

Allele frequency attached by ClinVar (database versions not stated): gnomAD exomes 0.00001 and 0.00002; ExAC 0.00003; TOPMed 0.00003.

Submissions (5):

Labcorp Genetics (formerly Invitae), Labcorp
Classification: Likely benign for Familial adenomatous polyposis 1. Last evaluated: 2025-09-29. Review status: criteria provided, single submitter. Criteria: Invitae Variant Classification Sherloc (09022015). Collection method: clinical testing. Allele origin: germline.

Myriad Genetics, Inc.
Classification: Benign for Familial adenomatous polyposis 1. Last evaluated: 2025-02-04. Review status: criteria provided, single submitter. Criteria: Myriad Autosomal Dominant, Autosomal Recessive and X-Linked Classification Criteria (2023). Collection method: clinical testing. Allele origin: unknown.
Comment: This variant is considered benign. This variant is intronic and is not expected to impact mRNA splicing. This variant has been observed at a population frequency that is significantly greater than expected given the associated disease prevalence and penetrance.

Color Diagnostics, LLC DBA Color Health
Classification: Likely benign for Hereditary cancer-predisposing syndrome. Last evaluated: 2024-03-07. Review status: criteria provided, single submitter. Criteria: ACMG Guidelines, 2015. Collection method: clinical testing. Allele origin: germline.

All of Us Research Program, National Institutes of Health
Classification: Likely benign for Classic or attenuated familial adenomatous polyposis. Last evaluated: 2023-10-30. Review status: criteria provided, single submitter. Criteria: ACMG Guidelines, 2015. Collection method: clinical testing. Allele origin: germline. Inheritance: Autosomal dominant inheritance. Observed: 2 variant alleles, 2 heterozygotes.
Comment: This study involves interpretation of variants in research participants for the purpose of population health screening. Participant phenotype was not available at the time of variant classification. Additional details can be found in publication PMID: 35346344, PMCID: PMC8962531

GeneDx
Classification: Likely benign. Last evaluated: 2018-03-20. Review status: criteria provided, single submitter. Criteria: GeneDx Variant Classification (06012015). Collection method: clinical testing. Allele origin: germline. Affected: yes.
Comment: This variant is considered likely benign or benign based on one or more of the following criteria: it is a conservative change, it occurs at a poorly conserved position in the protein, it is predicted to be benign by multiple in silico algorithms, and/or has population frequency not consistent with disease.

NM_000038.6(APC):c.730-10A>G

Gene: APC (APC regulator of Wnt signaling pathway; plus strand). Cytogenetic location: 5q22.2.
Variant type: single nucleotide variant.
Coding change: c.730-10A>G on transcript NM_000038.6 (MANE Select); 10 bases into the intron before coding-DNA position 730, A replaced by G.
Molecular consequence: intron variant.
Genome position (GRCh38, 1-based): chr5:112,801,269, A>G. VCF-style: chr5-112801269-A-G. GRCh37 (hg19) VCF-style: chr5-112136966-A-G.
Other names: c.730-10A>G (NM_001354895.2, NM_001127510.3, NM_001354896.2 and 1 more transcripts); c.760-10A>G (NM_001354897.2, NM_001354902.2); c.676-10A>G (NM_001127511.3); c.655-10A>G (NM_001354898.2, NM_001354904.2); c.-306-10A>G (NM_001354906.2); c.646-10A>G (NM_001354899.2); c.553-10A>G (NM_001354900.2, NM_001354901.2, NM_001354905.2).
Identifiers: ClinVar variation 470087 (VCV000470087.19), dbSNP rs756676415, ClinGen allele CA047642.